The following is an entry in ClinVar:

NM_003119.4(SPG7):c.1053dup (p.Gly352fs)

Gene: SPG7 (SPG7 matrix AAA peptidase subunit, paraplegin; plus strand). Cytogenetic location: 16q24.3.
Variant type: Duplication.
Coding change: c.1053dup on transcript NM_003119.4 (MANE Select); coding-DNA position 1053, one base duplicated (C; older notation c.1053dupC).
Protein change: p.Gly352fs; shifts the reading frame from glycine 352.
Molecular consequence: frameshift variant.
Genome position (GRCh38, 1-based): chr16:89,531,969, C duplicated; the last of 7 consecutive C bases (chr16:89,531,963-89,531,969); duplicating any one gives the same sequence. VCF-style (leftmost placement, unchanged base first): chr16-89531962-G-GC. GRCh37 (hg19) VCF-style: chr16-89598370-G-GC.
Other names: p.Gly352ArgfsX44; c.1053dupC (NM_003119.2, NM_003119.4); c.1053dup (NM_003119.3, NM_003119.2); c.1053dup, p.Gly352fs (NM_001363850.1, NM_199367.3); short protein forms G352fs.
Identifiers: ClinVar variation 411675 (VCV000411675.64), dbSNP rs760818649, ClinGen allele CA8243920.

ClinVar aggregate classification (germline): Pathogenic. Review status: criteria provided, multiple submitters, no conflicts (2 of 4 stars). 20 submissions from 20 submitters: Pathogenic (17). 3 of the submissions do not count toward it. Last evaluated 2026-03-23.

Conditions:
SPG7-related disorder. Also called: SPG7-related condition.
Hereditary spastic paraplegia. Also called: Familial spastic paraparesis. Identifiers: Orphanet 685, MedGen C0037773, MONDO:0019064. Disease mechanism: loss of function.
Hereditary spastic paraplegia 7 (SPG7). Also called: SPG7-related neurologic disorder; Autosomal recessive spastic paraplegia type 7; SPASTIC PARAPLEGIA 7, AUTOSOMAL RECESSIVE, WITH OR WITHOUT CEREBELLAR ATAXIA; Spastic paraplegia 7; Hereditary spastic paraplegia Paraplegin type. Identifiers: Orphanet 99013, MedGen C1846564, MONDO:0011803, OMIM 607259.

Submissions 1 to 14 of 20:

Victorian Clinical Genetics Services, Murdoch Childrens Research Institute
Classification: Pathogenic for Hereditary spastic paraplegia 7. Last evaluated: 2026-03-23. Review status: criteria provided, single submitter. Criteria: ACMG Guidelines, 2015. Collection method: clinical testing. Allele origin: germline. Affected: yes.
Comment: This variant is classified as Pathogenic. Evidence in support of pathogenic classification: Variant is predicted to cause nonsense-mediated decay (NMD) and loss of protein (premature termination codon is located at least 54 nucleotides upstream of the final exon-exon junction); Variant is present in gnomAD <0.01 (v4: 314 heterozygote(s), 0 homozygote(s)); This variant has strong previous evidence of pathogenicity in unrelated individuals. This variant has been classified as pathogenic by multiple clinical laboratories in ClinVar. Additional information: This variant is heterozygous; This gene is associated with both recessive and dominant disease. This gene is associated with autosomal recessive spastic paraplegia 7 and autosomal dominant optic atrophy (PMIDs: 31854126, 32548275); Loss of function is a known mechanism of disease in this gene and is associated with spastic paraplegia 7 (MIM#607259) and optic atrophy (MONDO:0003608), SPG7-related; Inheritance information for this variant is not currently available in this individual.

Labcorp Genetics (formerly Invitae), Labcorp
Classification: Pathogenic for Hereditary spastic paraplegia 7. Last evaluated: 2025-12-08. Review status: criteria provided, single submitter. Criteria: Invitae Variant Classification Sherloc (09022015). Collection method: clinical testing. Allele origin: germline.
Comment: This sequence change creates a premature translational stop signal (p.Gly352Argfs*44) in the SPG7 gene. It is expected to result in an absent or disrupted protein product. Loss-of-function variants in SPG7 are known to be pathogenic (PMID: 21623769, 22964162). This variant is present in population databases (rs760818649, gnomAD 0.04%). This premature translational stop signal has been observed in individuals with hereditary spastic paraplegia (HSP) (PMID: 18563470, 21623769, 23065789, 23733235, 24727571, 25681447). It has also been observed to segregate with disease in related individuals. ClinVar contains an entry for this variant (Variation ID: 411675). For these reasons, this variant has been classified as Pathogenic.

3billion
Classification: Pathogenic for Hereditary spastic paraplegia 7. Last evaluated: 2025-10-10. Review status: criteria provided, single submitter. Criteria: ACMG Guidelines, 2015. Collection method: clinical testing. Allele origin: germline. Affected: yes.
Comment: The variant is observed at an extremely low frequency in the gnomAD v4.1.0 dataset (total allele frequency: 0.019%). Predicted Consequence/Location: Frameshift: predicted to result in a loss or disruption of normal protein function through nonsense-mediated decay (NMD) or protein truncation. Multiple pathogenic variants are reported downstream of the variant. The variant has been reported to be in trans with a pathogenic variant as either compound heterozygous or homozygous in at least 2 similarly affected unrelated individuals (PMID: 18563470, 23065789, 25681447, 26756429). The variant has been reported to co-segregate with the disease in at least one similarly affected relative/individual in the same family or similarly affected unrelated families (PMID: 18563470). The variant has been reported at least twice as pathogenic with clinical assertions and evidence for the classification (ClinVar ID: VCV000411675 /PMID: 18563470 /3billion dataset). Therefore, this variant is classified as Pathogenic according to the recommendation of ACMG/AMP guideline.

CeGaT Center for Human Genetics Tuebingen
Classification: Pathogenic. Last evaluated: 2025-04-01. Review status: criteria provided, single submitter. Criteria: CeGaT Center For Human Genetics Tuebingen Variant Classification Criteria Version 2. Collection method: clinical testing. Allele origin: germline. Affected: yes. Observed: 3 variant alleles.
Comment: SPG7: PM3:Very Strong, PVS1, PM2

First Genomix Gene Laboratory, Genetic Diagnostics Department
Classification: Pathogenic for Hereditary spastic paraplegia 7. Last evaluated: 2025-03-27. Review status: criteria provided, single submitter. Criteria: ACMG Guidelines, 2015. Collection method: clinical testing. Allele origin: germline. Inheritance: Autosomal recessive inheritance. Affected: no. Observed: 1 variant allele.

PreventionGenetics, part of Exact Sciences
Classification: Pathogenic for SPG7-related condition. Last evaluated: 2025-03-25. Review status: criteria provided, single submitter. Criteria: ACMG Guidelines, 2015. Collection method: clinical testing. Allele origin: germline.
Comment: The SPG7 c.1053dupC variant is predicted to result in a frameshift and premature protein termination (p.Gly352Argfs*44). This variant has been reported in the homozygous and compound heterozygous state in patients with autosomal recessive hereditary spastic paraplegia (Tzoulis et al. 2008. PubMed ID: 18563470, designated 1047insC; Pfeffer et al. 2015. PubMed ID: 25681447). This variant is reported in 0.036% of alleles in individuals of African descent in gnomAD. Frameshift variants in SPG7 are expected to be pathogenic. This variant is interpreted as pathogenic for autosomal recessive SPG7-related disorders.

Blueprint Genetics
Classification: Pathogenic for SPG7-related disorders. Last evaluated: 2024-11-25. Review status: criteria provided, single submitter. Criteria: ACMG Guidelines, 2015. Collection method: clinical testing. Allele origin: germline. Affected: yes. Observed: 5 variant alleles.

Fulgent Genetics
Classification: Pathogenic for Hereditary spastic paraplegia 7. Last evaluated: 2024-05-15. Review status: criteria provided, single submitter. Criteria: ACMG Guidelines, 2015. Collection method: clinical testing. Allele origin: germline.

GeneDx
Classification: Pathogenic. Last evaluated: 2023-06-22. Review status: criteria provided, single submitter. Criteria: GeneDx Variant Classification Process June 2021. Collection method: clinical testing. Allele origin: germline. Affected: yes.
Comment: Frameshift variant predicted to result in protein truncation or nonsense mediated decay in a gene for which loss-of-function is a known mechanism of disease; This variant is associated with the following publications: (PMID: 32816195, 34758253, 27957547, 23733235, 25681447, 28444220, 30609409, 31589614, 18563470, 25976027)

Molecular Genetics, Royal Melbourne Hospital
Classification: Pathogenic for Hereditary spastic paraplegia 7. Last evaluated: 2022-11-03. Review status: criteria provided, single submitter. Criteria: ACMG Guidelines, 2015. Collection method: clinical testing. Allele origin: germline. Affected: yes.
Comment: This sequence change in SPG7 is a frameshift variant predicted to cause a premature stop codon, p.(Gly352Argfs*44), in biologically relevant exon 8/17, leading to nonsense-mediated decay in a gene in which loss-of-function is an established disease mechanism (PMID 20301286). The highest population minor allele frequency in the population database gnomAD v3.1 is 0.051% (21/41,458 alleles) in the African/African American population, which is consistent with recessive hereditary spastic paraplegia (HSP). This variant has been detected in at least nine individuals with HSP and/or spastic ataxia. Of those individuals, six were compound heterozygous for the variant and the same pathogenic missense variant (c.1529C>T, p.Ala510Val) (PMID: 25976027, 24727571, 23065789, 25681447, 27957547, 28444220). Based on the classification scheme RMH Modified ACMG Guidelines v1.5.1, this variant is classified as PATHOGENIC. Following criteria are met: PVS1, PM3_VeryStrong, PM2_Supporting.

Athena Diagnostics
Classification: Pathogenic. Last evaluated: 2022-07-05. Review status: criteria provided, single submitter. Criteria: Athena Diagnostics Criteria. Collection method: clinical testing. Allele origin: unknown.
Comment: This variant is expected to result in the loss of a functional protein. The frequency of this variant in the general population is consistent with pathogenicity. This variant has been identified in at least one individual with clinical features associated with this gene. In multiple individuals, this variant has been seen with a single recessive pathogenic variant in the same gene, suggesting this variant may also be pathogenic.

PROSPAX: an integrated multimodal progression  chart in spastic ataxias, Center for Neurology; Hertie-Institute for Clinical Brain Research
Classification: Pathogenic for Hereditary spastic paraplegia 7. Last evaluated: 2022-01-01. Review status: criteria provided, single submitter. Criteria: ACMG Guidelines, 2015. Collection method: research. Allele origin: germline. Affected: yes. Observed: 2 variant alleles, 2 compound heterozygotes.

CENTOGENE GmbH and LLC - Guiding Precision Medicine
Classification: Pathogenic for Hereditary spastic paraplegia 7. Last evaluated: 2021-09-08. Review status: criteria provided, single submitter. Criteria: ACMG Guidelines, 2015. Collection method: clinical testing. Allele origin: germline. Affected: yes.

Genome Diagnostics Laboratory, The Hospital for Sick Children
Classification: Pathogenic for Hereditary spastic paraplegia. Last evaluated: 2020-02-01. Review status: criteria provided, single submitter. Criteria: ACMG Guidelines, 2015. Collection method: clinical testing. Allele origin: germline. Affected: yes.